The following is an entry in ClinVar:

ClinVar aggregate classification (germline): Uncertain significance (1 of 4 stars; one submission).

gnomAD v4.1: 3 of 1,559,830 alleles (0.00019%); highest among the groups gnomAD compares: East Asian, 0.0046%; no homozygotes.

Submission:

Labcorp Genetics (formerly Invitae), Labcorp
Classification: Uncertain significance. Last evaluated: 2024-06-19. Review status: criteria provided, single submitter. Criteria: Invitae Variant Classification Sherloc (09022015). Collection method: clinical testing. Allele origin: germline.
Comment: This sequence change replaces leucine, which is neutral and non-polar, with isoleucine, which is neutral and non-polar, at codon 925 of the JAK2 protein (p.Leu925Ile). This variant is present in population databases (no rsID available, gnomAD 0.06%). This variant has not been reported in the literature in individuals affected with JAK2-related conditions. Advanced modeling of protein sequence and biophysical properties (such as structural, functional, and spatial information, amino acid conservation, physicochemical variation, residue mobility, and thermodynamic stability) performed at Invitae indicates that this missense variant is not expected to disrupt JAK2 protein function with a negative predictive value of 80%. In summary, the available evidence is currently insufficient to determine the role of this variant in disease. Therefore, it has been classified as a Variant of Uncertain Significance.

NM_004972.4(JAK2):c.2773C>A (p.Leu925Ile)

Genes: INSL6 (insulin like 6; minus strand), JAK2 (Janus kinase 2; plus strand). Cytogenetic location: 9p24.1.
Variant type: single nucleotide variant.
Coding change: c.2773C>A on transcript NM_004972.4 (MANE Select); coding-DNA position 2773, C replaced by A.
Protein change: p.Leu925Ile; replaces leucine 925 with isoleucine.
Molecular consequence: missense variant. On other transcripts: non-coding transcript variant (2).
Genome position (GRCh38, 1-based): chr9:5,090,457, C>A. VCF-style: chr9-5090457-C-A. GRCh37 (hg19) VCF-style: chr9-5090457-C-A.
Other names: c.2773C>A, p.Leu925Ile (NM_001322194.2, NM_001322195.2, NM_001322196.2); c.1558C>A, p.Leu520Ile (NM_001322198.2, NM_001322199.2); c.2326C>A, p.Leu776Ile (NM_001322204.2); short protein forms L776I, L925I, L520I.
Identifiers: ClinVar variation 3718808 (VCV003718808.2).